The following is an entry in ClinVar:

NM_001134363.3(RBM20):c.3314C>T (p.Pro1105Leu)

Gene: RBM20 (RNA binding motif protein 20; plus strand). Cytogenetic location: 10q25.2.
Variant type: single nucleotide variant.
Coding change: c.3314C>T on transcript NM_001134363.3 (MANE Select); coding-DNA position 3314, C replaced by T.
Protein change: p.Pro1105Leu; replaces proline 1105 with leucine.
Molecular consequence: missense variant.
Genome position (GRCh38, 1-based): chr10:110,821,933, C>T. VCF-style: chr10-110821933-C-T. GRCh37 (hg19) VCF-style: chr10-112581691-C-T.
Other names: short protein forms P1105L.
Identifiers: ClinVar variation 470609 (VCV000470609.18), dbSNP rs1241224023, ClinGen allele CA378382808.

ClinVar aggregate classification (germline): Conflicting classifications of pathogenicity. Review status: criteria provided, conflicting classifications (1 of 4 stars). 4 submissions from 4 submitters: Uncertain significance (3); Likely benign (1). Last evaluated 2025-10-23.

Conditions:
Dilated cardiomyopathy 1DD (CMD1DD). Identifiers: Orphanet 154, MedGen C2750995, MONDO:0013168, OMIM 613172.
Cardiovascular phenotype. Identifiers: MedGen CN230736.

Allele frequency attached by ClinVar (database versions not stated): gnomAD 0.00002 and 0.00003; TOPMed 0.00005; gnomAD exomes 0.00006.
gnomAD v4.1: 29 of 1,551,540 alleles (0.0019%); highest among the groups gnomAD compares: East Asian, 0.039%; no homozygotes.

Submissions (4):

Labcorp Genetics (formerly Invitae), Labcorp
Classification: Uncertain significance for Dilated cardiomyopathy 1DD. Last evaluated: 2025-10-23. Review status: criteria provided, single submitter. Criteria: Invitae Variant Classification Sherloc (09022015). Collection method: clinical testing. Allele origin: germline.
Comment: This sequence change replaces proline, which is neutral and non-polar, with leucine, which is neutral and non-polar, at codon 1105 of the RBM20 protein (p.Pro1105Leu). This variant is present in population databases (no rsID available, gnomAD 0.08%). This missense change has been observed in individual(s) with left ventricular non-compaction (PMID: 29029073). ClinVar contains an entry for this variant (Variation ID: 470609). An algorithm developed to predict the effect of missense changes on protein structure and function (PolyPhen-2) suggests that this variant is likely to be tolerated. Experimental studies have shown that this missense change does not substantially affect RBM20 function (PMID: 29029073). In summary, the available evidence is currently insufficient to determine the role of this variant in disease. Therefore, it has been classified as a Variant of Uncertain Significance.

Blueprint Genetics
Classification: Likely benign. Last evaluated: 2023-12-21. Review status: criteria provided, single submitter. Criteria: ACMG Guidelines, 2015. Collection method: clinical testing. Allele origin: germline.

Ambry Genetics
Classification: Uncertain significance for Cardiovascular phenotype. Last evaluated: 2023-02-10. Review status: criteria provided, single submitter. Criteria: Ambry Variant Classification Scheme 2023. Collection method: clinical testing. Allele origin: germline.
Comment: The p.P1105L variant (also known as c.3314C>T), located in coding exon 11 of the RBM20 gene, results from a C to T substitution at nucleotide position 3314. The proline at codon 1105 is replaced by leucine, an amino acid with similar properties. This variant has been detected in a left ventricular noncompaction cardiomyopathy cohort (Sedaghat-Hamedani F et al. Eur Heart J, 2017 Dec;38:3449-3460). This amino acid position is poorly conserved in available vertebrate species. In addition, this alteration is predicted to be tolerated by in silico analysis. Since supporting evidence is limited at this time, the clinical significance of this alteration remains unclear.

GeneDx
Classification: Uncertain significance. Last evaluated: 2022-06-07. Review status: criteria provided, single submitter. Criteria: GeneDx Variant Classification Process June 2021. Collection method: clinical testing. Allele origin: germline. Affected: yes.
Comment: Observed in individuals with LVNC in the published literature and at GeneDx (Sedaghat-Hamedani et al., 2017); In silico analysis supports that this missense variant does not alter protein structure/function; Functional studies showed that this variant had no effect on splicing (Sedaghat-Hamedani et al., 2017); This variant is associated with the following publications: (PMID: 29029073)

Literature cited by the submitters: PubMed 29029073 (cited by Labcorp Genetics (formerly Invitae), Labcorp and Ambry Genetics).